The following is an entry in ClinVar:

ClinVar aggregate classification (germline): Conflicting classifications of pathogenicity. Review status: criteria provided, conflicting classifications (1 of 4 stars). 3 submissions from 3 submitters: Likely pathogenic (1); Uncertain significance (2). Last evaluated 2025-09-12.

Conditions:
Hereditary cancer-predisposing syndrome. Also called: Tumor predisposition; Hereditary neoplastic syndrome; Neoplastic Syndromes, Hereditary; Hereditary Cancer Syndrome. Identifiers: Orphanet 140162, MedGen C0027672, MeSH D009386, MONDO:0015356.

Submissions (3):

Ambry Genetics
Classification: Likely pathogenic for Hereditary cancer-predisposing syndrome. Last evaluated: 2025-09-12. Review status: criteria provided, single submitter. Criteria: Ambry Variant Classification Scheme 2023. Collection method: clinical testing. Allele origin: germline.
Comment: The p.P410L variant (also known as c.1229C>T), located in coding exon 8 of the FH gene, results from a C to T substitution at nucleotide position 1229. The proline at codon 410 is replaced by leucine, an amino acid with similar properties. This variant was reported in individual(s) with features consistent with FH-related tumor predisposition (Furuya M et al. J Clin Pathol, 2020 Dec;73:819-825; Wyvekens N et al. Int J Surg Pathol, 2022 Apr;30:184-189). This amino acid position is highly conserved in available vertebrate species. In addition, this alteration is predicted to be deleterious by in silico analysis. This variant is considered to be rare based on population cohorts in the Genome Aggregation Database (gnomAD). Based on the majority of available evidence to date, this variant is likely to be pathogenic.

Labcorp Genetics (formerly Invitae), Labcorp
Classification: Uncertain significance. Last evaluated: 2025-03-17. Review status: criteria provided, single submitter. Criteria: Invitae Variant Classification Sherloc (09022015). Collection method: clinical testing. Allele origin: germline.
Comment: This sequence change replaces proline, which is neutral and non-polar, with leucine, which is neutral and non-polar, at codon 410 of the FH protein (p.Pro410Leu). This variant is not present in population databases (gnomAD no frequency). This missense change has been observed in individual(s) with hereditary leiomyomatosis and renal cell cance (PMID: 32376712). ClinVar contains an entry for this variant (Variation ID: 372366). Invitae Evidence Modeling of protein sequence and biophysical properties (such as structural, functional, and spatial information, amino acid conservation, physicochemical variation, residue mobility, and thermodynamic stability) indicates that this missense variant is expected to disrupt FH protein function with a positive predictive value of 95%. In summary, the available evidence is currently insufficient to determine the role of this variant in disease. Therefore, it has been classified as a Variant of Uncertain Significance.

GeneDx
Classification: Uncertain significance. Last evaluated: 2016-11-15. Review status: criteria provided, single submitter. Criteria: GeneDx Variant Classification (06012015). Collection method: clinical testing. Allele origin: germline. Affected: yes.
Comment: The P410L variant in the FH gene has not been published as a pathogenic variant, nor has it been reported as a benign variant to our knowledge. This variant was not observed in approximately 6,500 individuals of European and African American ancestry in the NHLBI Exome Sequencing Project, indicating it is not a common benign variant in these populations. The P410L variant is a semi-conservative amino acid substitution, which may impact secondary protein structure as these residues differ in some properties. This substitution occurs at a position that is conserved across species, and in silico analysis predicts this variant is probably damaging to the protein structure/function. Based on the currently available information, it is unclear whether P410L is a pathogenic variant or a rare benign variant. We consider it to be a variant of uncertain significance.

Literature cited by the submitters: PubMed 32376712 (cited by Ambry Genetics and Labcorp Genetics (formerly Invitae), Labcorp); PubMed 34180725 (cited by Ambry Genetics).

NM_000143.4(FH):c.1229C>T (p.Pro410Leu)

Gene: FH (fumarate hydratase; minus strand). Cytogenetic location: 1q43.
Variant type: single nucleotide variant.
Coding change: c.1229C>T on transcript NM_000143.4 (MANE Select); coding-DNA position 1229, C replaced by T.
Protein change: p.Pro410Leu; replaces proline 410 with leucine.
Molecular consequence: missense variant.
Genome position (GRCh38, 1-based): chr1:241,502,450, G>A on the plus strand (C>T on the coding strand, the complement: FH is on the minus strand). VCF-style: chr1-241502450-G-A. GRCh37 (hg19) VCF-style: chr1-241665750-G-A.
Other names: short protein forms P410L.
Identifiers: ClinVar variation 372366 (VCV000372366.10), dbSNP rs1057517735, ClinGen allele CA16042326.